The following is an entry in ClinVar:

ClinVar aggregate classification (germline): Uncertain significance (1 of 4 stars; one submission).

Conditions:
Cardiovascular phenotype. Identifiers: MedGen CN230736.

gnomAD v4.1: 3 of 1,380,462 alleles (0.00022%); highest among the groups gnomAD compares: Non-Finnish European, 0.00019%; no homozygotes.

Submission:

Ambry Genetics
Classification: Uncertain significance for Cardiovascular phenotype. Last evaluated: 2025-05-24. Review status: criteria provided, single submitter. Criteria: Ambry Variant Classification Scheme 2023. Collection method: clinical testing. Allele origin: germline.
Comment: The p.P9L variant (also known as c.26C>T), located in coding exon 1 of the FOXE3 gene, results from a C to T substitution at nucleotide position 26. The proline at codon 9 is replaced by leucine, an amino acid with similar properties. This amino acid position is conserved. In addition, this alteration is predicted to be tolerated by in silico analysis. Based on the available evidence, the clinical significance of this variant remains unclear.

NM_012186.3(FOXE3):c.26C>T (p.Pro9Leu)

Genes: FOXE3 (forkhead box E3; plus strand), LINC01389 (long intergenic non-protein coding RNA 1389; minus strand). Cytogenetic location: 1p33.
Variant type: single nucleotide variant.
Coding change: c.26C>T on transcript NM_012186.3 (MANE Select); coding-DNA position 26, C replaced by T.
Protein change: p.Pro9Leu; replaces proline 9 with leucine.
Molecular consequence: missense variant.
Genome position (GRCh38, 1-based): chr1:47,416,341, C>T. VCF-style: chr1-47416341-C-T. GRCh37 (hg19) VCF-style: chr1-47882013-C-T.
Other names: short protein forms P9L.
Identifiers: ClinVar variation 4026313 (VCV004026313.1).
Genomic context (GRCh38, chr1:47,416,341, plus strand): 5'-TCCCGGAGCCGCGCGGGCAGGGGCTGCCGCAGCCGATGGCGGGGCGCAGCGACATGGATC[C>T]GCCCGCCGCGTTCTCTGGCTTCCCTGCCCTGCCAGCGGTCGCGCCGTCGGGGCCGCCGCC-3'
Protein context (NP_036318.1, residues 1-19): MAGRSDMD[Pro9Leu]PAAFSGFPAL